The following is an entry in ClinVar:

ClinVar aggregate classification (germline): Uncertain significance (1 of 4 stars; one submission).

Conditions:
Inborn genetic diseases. Identifiers: MedGen C0950123, MeSH D030342.

gnomAD v4.1: 1 of 1,612,950 alleles (0.000062%); highest among the groups gnomAD compares: Admixed American, 0.0017%; no homozygotes.

Submission:

Ambry Genetics
Classification: Uncertain significance for Inborn genetic diseases. Last evaluated: 2024-12-31. Review status: criteria provided, single submitter. Criteria: Ambry Variant Classification Scheme 2023. Collection method: clinical testing. Allele origin: germline.
Comment: The p.N570D variant (also known as c.1708A>G), located in coding exon 7 of the SH2B3 gene, results from an A to G substitution at nucleotide position 1708. The asparagine at codon 570 is replaced by aspartic acid, an amino acid with highly similar properties. This amino acid position is conserved. In addition, this alteration is predicted to be tolerated by in silico analysis. Based on the available evidence, the clinical significance of this variant remains unclear.

NM_005475.3(SH2B3):c.1708A>G (p.Asn570Asp)

Gene: SH2B3 (SH2B adaptor protein 3; plus strand). Cytogenetic location: 12q24.12.
Variant type: single nucleotide variant.
Coding change: c.1708A>G on transcript NM_005475.3 (MANE Select); coding-DNA position 1708, A replaced by G.
Protein change: p.Asn570Asp; replaces asparagine 570 with aspartic acid.
Molecular consequence: missense variant.
Genome position (GRCh38, 1-based): chr12:111,448,282, A>G. VCF-style: chr12-111448282-A-G. GRCh37 (hg19) VCF-style: chr12-111886086-A-G.
Other names: c.1102A>G, p.Asn368Asp (NM_001291424.1); short protein forms N368D, N570D.
Identifiers: ClinVar variation 3795058 (VCV003795058.1).